The following is an entry in ClinVar:

NM_004360.5(CDH1):c.2454T>C (p.Ala818=)

Gene: CDH1 (cadherin 1; plus strand). Cytogenetic location: 16q22.1.
Variant type: single nucleotide variant.
Coding change: c.2454T>C on transcript NM_004360.5 (MANE Select); coding-DNA position 2454, T replaced by C.
Protein change: p.Ala818=; no amino-acid change (alanine 818 retained).
Molecular consequence: synonymous variant.
Genome position (GRCh38, 1-based): chr16:68,833,304, T>C. VCF-style: chr16-68833304-T-C. GRCh37 (hg19) VCF-style: chr16-68867207-T-C.
Other names: c.2454T>C (LRG_301t1); c.2271T>C, p.Ala757= (NM_001317184.2); c.906T>C, p.Ala302= (NM_001317185.2); c.489T>C, p.Ala163= (NM_001317186.2).
Identifiers: ClinVar variation 239895 (VCV000239895.18), dbSNP rs761471987, ClinGen allele CA8130296.
Genomic context (GRCh38, chr16:68,833,304, plus strand): 5'-GTGCCCTTCCTTTCACTAAAAGATGCTTTTGTCCCTTCTTCTTTAGAATCTGAAAGCGGC[T>C]GATACTGACCCCACAGCCCCGCCTTATGATTCTCTGCTCGTGTTTGACTATGAAGGAAGC-3'
Protein context (NP_004351.1, residues 808-828): GNFIDENLKA[Ala818=]DTDPTAPPYD

ClinVar aggregate classification (germline): Benign/Likely benign. Review status: criteria provided, multiple submitters, no conflicts (2 of 4 stars). 6 submissions from 6 submitters: Benign (1); Likely benign (5). Last evaluated 2025-05-30.

Conditions:
Hereditary cancer-predisposing syndrome. Also called: Neoplastic Syndromes, Hereditary; Tumor predisposition; Hereditary neoplastic syndrome; Hereditary Cancer Syndrome. Identifiers: Orphanet 140162, MedGen C0027672, MeSH D009386, MONDO:0015356.
Hereditary diffuse gastric adenocarcinoma (HDGC). Also called: DIFFUSE GASTRIC AND LOBULAR BREAST CANCER SYNDROME. Identifiers: Orphanet 26106, MedGen C1708349, MONDO:0007648, OMIM 137215.

Allele frequency attached by ClinVar (database versions not stated): gnomAD exomes below 0.00001; ExAC 0.00001.
gnomAD v4.1: 2 of 1,614,210 alleles (0.00012%); highest among the groups gnomAD compares: Admixed American, 0.0017%; no homozygotes.

Submissions (6):

Color Diagnostics, LLC DBA Color Health
Classification: Likely benign for Hereditary cancer-predisposing syndrome. Last evaluated: 2025-05-30. Review status: criteria provided, single submitter. Criteria: ACMG Guidelines, 2015. Collection method: clinical testing. Allele origin: germline.

Labcorp Genetics (formerly Invitae), Labcorp
Classification: Likely benign for Hereditary diffuse gastric adenocarcinoma. Last evaluated: 2025-01-21. Review status: criteria provided, single submitter. Criteria: Invitae Variant Classification Sherloc (09022015). Collection method: clinical testing. Allele origin: germline.

Myriad Genetics, Inc.
Classification: Benign for Hereditary diffuse gastric adenocarcinoma. Last evaluated: 2024-09-24. Review status: criteria provided, single submitter. Criteria: Myriad Autosomal Dominant, Autosomal Recessive and X-Linked Classification Criteria (2023). Collection method: clinical testing. Allele origin: unknown.
Comment: This variant is considered benign. This variant is a silent/synonymous amino acid change and it is not expected to impact splicing.

Sema4
Classification: Likely benign for Hereditary cancer-predisposing syndrome. Last evaluated: 2020-11-05. Review status: criteria provided, single submitter. Criteria: Sema4 Curation Guidelines. Collection method: curation. Allele origin: germline.

Quest Diagnostics Nichols Institute San Juan Capistrano
Classification: Likely benign. Last evaluated: 2019-05-01. Review status: criteria provided, single submitter. Criteria: Quest Diagnostics criteria. Collection method: clinical testing. Allele origin: germline.

Ambry Genetics
Classification: Likely benign for Hereditary cancer-predisposing syndrome. Last evaluated: 2015-05-31. Review status: criteria provided, single submitter. Criteria: Ambry Variant Classification Scheme 2023. Collection method: clinical testing. Allele origin: germline.